The following is an entry in ClinVar:

ClinVar aggregate classification (germline): Conflicting classifications of pathogenicity. Review status: criteria provided, conflicting classifications (1 of 4 stars). 5 submissions from 5 submitters: Uncertain significance (3); Likely benign (2). Last evaluated 2025-12-13.

Conditions:
NEFH-related disorder. Also called: NEFH-related condition.
Inborn genetic diseases. Identifiers: MedGen C0950123, MeSH D030342.

Allele frequency attached by ClinVar (database versions not stated): gnomAD exomes 0.00005 and 0.00015; ExAC 0.00020.
gnomAD v4.1: 218 of 1,532,450 alleles (0.014%); highest among the groups gnomAD compares: Non-Finnish European, 0.018%; no homozygotes.

Submissions (5):

Labcorp Genetics (formerly Invitae), Labcorp
Classification: Uncertain significance. Last evaluated: 2025-12-13. Review status: criteria provided, single submitter. Criteria: Invitae Variant Classification Sherloc (09022015). Collection method: clinical testing. Allele origin: germline.
Comment: This sequence change replaces alanine, which is neutral and non-polar, with serine, which is neutral and polar, at codon 29 of the NEFH protein (p.Ala29Ser). This variant is present in population databases (rs752311867, gnomAD 0.04%). This variant has not been reported in the literature in individuals affected with NEFH-related conditions. ClinVar contains an entry for this variant (Variation ID: 1427349). Invitae Evidence Modeling of protein sequence and biophysical properties (such as structural, functional, and spatial information, amino acid conservation, physicochemical variation, residue mobility, and thermodynamic stability) indicates that this missense variant is not expected to disrupt NEFH protein function with a negative predictive value of 95%. In summary, the available evidence is currently insufficient to determine the role of this variant in disease. Therefore, it has been classified as a Variant of Uncertain Significance.

PreventionGenetics, part of Exact Sciences
Classification: Uncertain significance for NEFH-related condition. Last evaluated: 2025-07-09. Review status: criteria provided, single submitter. Criteria: ACMG Guidelines, 2015. Collection method: clinical testing. Allele origin: germline.
Comment: The NEFH c.85G>T variant is predicted to result in the amino acid substitution p.Ala29Ser. To our knowledge, this variant has not been reported in the literature in individuals affected with NEFH-related disorders. This variant is reported in 0.037% of alleles in individuals of African descent in gnomAD. At this time, the clinical significance of this variant is uncertain due to the absence of conclusive functional and genetic evidence.

Women's Health and Genetics/Laboratory Corporation of America, LabCorp
Classification: Likely benign. Last evaluated: 2025-05-27. Review status: criteria provided, single submitter. Criteria: LabCorp Variant Classification Summary - May 2015. Collection method: clinical testing. Allele origin: germline.
Comment: Variant summary: NEFH c.85G>T (p.Ala29Ser) results in a conservative amino acid change in the encoded protein sequence. Algorithms developed to predict the effect of missense changes on protein structure and function all suggest that this variant is likely to be tolerated. The variant allele was found at a frequency of 0.00014 in 1532450 control chromosomes. The observed variant frequency is approximately 227.61 fold of the estimated maximal expected allele frequency for a pathogenic variant in NEFH causing Charcot-Marie-Tooth disease axonal type 2CC phenotype (6.3e-07). To our knowledge, no occurrence of c.85G>T in individuals affected with Charcot-Marie-Tooth disease axonal type 2CC and no experimental evidence demonstrating its impact on protein function have been reported. ClinVar contains an entry for this variant (Variation ID: 1427349). Based on the evidence outlined above, the variant was classified as likely benign.

CeGaT Center for Human Genetics Tuebingen
Classification: Uncertain significance. Last evaluated: 2024-12-01. Review status: criteria provided, single submitter. Criteria: CeGaT Center For Human Genetics Tuebingen Variant Classification Criteria Version 2. Collection method: clinical testing. Allele origin: germline. Affected: yes. Observed: 1 variant allele.
Comment: NEFH: PP2

Ambry Genetics
Classification: Likely benign for Inborn genetic diseases. Last evaluated: 2020-11-13. Review status: criteria provided, single submitter. Criteria: Ambry Variant Classification Scheme 2023. Collection method: clinical testing. Allele origin: germline.

NM_021076.4(NEFH):c.85G>T (p.Ala29Ser)

Gene: NEFH (neurofilament heavy chain; plus strand). Cytogenetic location: 22q12.2.
Variant type: single nucleotide variant.
Coding change: c.85G>T on transcript NM_021076.4 (MANE Select); coding-DNA position 85, G replaced by T.
Protein change: p.Ala29Ser; replaces alanine 29 with serine.
Molecular consequence: missense variant.
Genome position (GRCh38, 1-based): chr22:29,480,347, G>T. VCF-style: chr22-29480347-G-T. GRCh37 (hg19) VCF-style: chr22-29876336-G-T.
Other names: short protein forms A29S.
Identifiers: ClinVar variation 1427349 (VCV001427349.22), dbSNP rs752311867, ClinGen allele CA10173965.